The following is an entry in ClinVar:

ClinVar aggregate classification (germline): Uncertain significance (1 of 4 stars; one submission).

Conditions:
Anauxetic dysplasia. Identifiers: Orphanet 93347, MedGen C1846796, MONDO:0011773.

Submission:

Labcorp Genetics (formerly Invitae), Labcorp
Classification: Uncertain significance for Anauxetic dysplasia. Last evaluated: 2024-06-12. Review status: criteria provided, single submitter. Criteria: Invitae Variant Classification Sherloc (09022015). Collection method: clinical testing. Allele origin: germline.
Comment: This variant occurs in the RMRP gene, which encodes an RNA molecule that does not result in a protein product. This variant is not present in population databases (gnomAD no frequency). This variant has not been reported in the literature in individuals affected with RMRP-related conditions. Experimental studies and prediction algorithms are not available or were not evaluated, and the functional significance of this variant is currently unknown. In summary, the available evidence is currently insufficient to determine the role of this variant in disease. Therefore, it has been classified as a Variant of Uncertain Significance.

NR_003051.4(RMRP):n.133C>A

Gene: RMRP (RNA component of mitochondrial RNA processing endoribonuclease; minus strand). Cytogenetic location: 9p13.3.
Variant type: single nucleotide variant.
Molecular consequence: non-coding transcript variant (on NR_003051.4).
Genome position: GRCh38 VCF-style: chr9-35657887-G-T. GRCh37 (hg19) VCF-style: chr9-35657884-G-T.
Identifiers: ClinVar variation 3656313 (VCV003656313.2).